The following is an entry in ClinVar:

ClinVar aggregate classification (germline): Uncertain significance. Review status: criteria provided, multiple submitters, no conflicts (2 of 4 stars). 2 submissions from 2 submitters: Uncertain significance (2). Last evaluated 2024-12-17.

Conditions:
Hyperinsulinemic hypoglycemia, familial, 1 (HHF1). Also called: HYPERINSULINISM, FAMILIAL, WITH PANCREATIC NESIDIOBLASTOSIS; HYPOGLYCEMIA, HYPERINSULINEMIC, OF INFANCY; Persistent Hyperinsulinemia Hypoglycemia of Infancy; NESIDIOBLASTOSIS OF PANCREAS; Persistent hyperinsulinemic hypoglycemia of infancy. Identifiers: Orphanet 276575, Orphanet 276598, MedGen C2931832, MONDO:0009734, OMIM 256450.

Allele frequency attached by ClinVar (database versions not stated): gnomAD exomes below 0.00001.
gnomAD v4.1: 6 of 1,612,388 alleles (0.00037%); highest among the groups gnomAD compares: East Asian, 0.0022%; no homozygotes.

Submissions (2):

Women's Health and Genetics/Laboratory Corporation of America, LabCorp
Classification: Uncertain significance. Last evaluated: 2024-12-17. Review status: criteria provided, single submitter. Criteria: LabCorp Variant Classification Summary - May 2015. Collection method: clinical testing. Allele origin: germline.
Comment: Variant summary: ABCC8 c.106C>T (p.His36Tyr) results in a conservative amino acid change in the encoded protein sequence. Four of five in-silico tools predict a damaging effect of the variant on protein function. The variant allele was found at a frequency of 4.1e-06 in 245730 control chromosomes. The available data on variant occurrences in the general population are insufficient to allow any conclusion about variant significance. c.106C>T has been reported in the literature in a compound heterozygous individual affected with congenital hyperinsulinemia (e.g., Xu_2018, Xu_2021). These report(s) do not provide unequivocal conclusions about association of the variant with Familial Hyperinsulinism. To our knowledge, no experimental evidence demonstrating an impact on protein function has been reported. The following publications have been ascertained in the context of this evaluation (PMID: 30352420, 33502730). ClinVar contains an entry for this variant (Variation ID: 2576221). Based on the evidence outlined above, the variant was classified as uncertain significance.

Broad Center for Mendelian Genomics, Broad Institute of MIT and Harvard
Classification: Uncertain significance for Hyperinsulinemic hypoglycemia, familial, 1. Last evaluated: 2023-08-16. Review status: criteria provided, single submitter. Criteria: ACMG Guidelines, 2015. Collection method: curation. Allele origin: germline. Inheritance: Autosomal recessive inheritance.
Comment: The p.His36Tyr variant in ABCC8 has been reported in one individual, in the compound heterozygous state, with hyperinsulinemic hypoglycemia (PMID: 30352420), and has been identified in 0.02%% (1/6030) of other chromosomes by the Genome Aggregation Database (gnomAD; dbSNP {rs1565001297}). Data from large population studies is insufficient to assess the frequency of this variant. Computational prediction tools and conservation analyses suggest that this variant may impact the protein, though this information is not predictive enough to determine pathogenicity. In summary, while there is some suspicion for a pathogenic role, the clinical significance of the p.His36Tyr variant is uncertain. ACMG/AMP Criteria applied: PM2_supporting, PM3, PP3 (Richards 2015).

Literature cited by the submitters: PubMed 33502730 (cited by Women's Health and Genetics/Laboratory Corporation of America, LabCorp); PubMed 30352420 (cited by Women's Health and Genetics/Laboratory Corporation of America, LabCorp).

NM_000352.6(ABCC8):c.106C>T (p.His36Tyr)

Gene: ABCC8 (ATP binding cassette subfamily C member 8; minus strand). Cytogenetic location: 11p15.1.
Variant type: single nucleotide variant.
Coding change: c.106C>T on transcript NM_000352.6 (MANE Select); coding-DNA position 106, C replaced by T.
Protein change: p.His36Tyr; replaces histidine 36 with tyrosine.
Molecular consequence: missense variant. On other transcripts: non-coding transcript variant (1).
Genome position (GRCh38, 1-based): chr11:17,476,671, G>A on the plus strand (C>T on the coding strand, the complement: ABCC8 is on the minus strand). VCF-style: chr11-17476671-G-A. GRCh37 (hg19) VCF-style: chr11-17498218-G-A.
Other names: NM_001287174.3:c.106C>T; c.106C>T, p.His36Tyr (NM_001287174.3, NM_001351295.2, NM_001351296.2 and 1 more transcripts); short protein forms H36Y.
Identifiers: ClinVar variation 2576221 (VCV002576221.2), dbSNP rs1565001297, ClinGen allele CA379789975.